The following is an entry in ClinVar:

NM_032634.4(PIGO):c.2068C>T (p.Arg690Cys)

Gene: PIGO (phosphatidylinositol glycan anchor biosynthesis class O; minus strand). Cytogenetic location: 9p13.3.
Variant type: single nucleotide variant.
Coding change: c.2068C>T on transcript NM_032634.4 (MANE Select); coding-DNA position 2068, C replaced by T.
Protein change: p.Arg690Cys; replaces arginine 690 with cysteine.
Molecular consequence: missense variant. On other transcripts: intron variant (2).
Genome position (GRCh38, 1-based): chr9:35,091,819, G>A on the plus strand (C>T on the coding strand, the complement: PIGO is on the minus strand). VCF-style: chr9-35091819-G-A. GRCh37 (hg19) VCF-style: chr9-35091816-G-A.
Other names: c.2068C>T (NM_032634.3); c.1345-528C>T (NM_152850.4, NM_001201484.2); short protein forms R690C.
Identifiers: ClinVar variation 2083998 (VCV002083998.2), dbSNP rs745425967, ClinGen allele CA5040508.

ClinVar aggregate classification (germline): Uncertain significance. Review status: criteria provided, multiple submitters, no conflicts (2 of 4 stars). 2 submissions from 2 submitters: Uncertain significance (2). Last evaluated 2024-03-20.

Conditions:
Hyperphosphatasia with impaired intellectual development syndrome 2. Also called: Hyperphosphatasia with intellectual disability syndrome 2; GLYCOSYLPHOSPHATIDYLINOSITOL BIOSYNTHESIS DEFECT 6. Identifiers: Orphanet 247262, MedGen C3553637, MONDO:0013882, OMIM 614749.
Inborn genetic diseases. Identifiers: MedGen C0950123, MeSH D030342.

Allele frequency attached by ClinVar (database versions not stated): gnomAD 0.00001; TOPMed 0.00001; ExAC 0.00002; gnomAD exomes 0.00002.
gnomAD v4.1: 25 of 1,613,560 alleles (0.0015%); highest among the groups gnomAD compares: East Asian, 0.0067%; no homozygotes.

Submissions (2):

Ambry Genetics
Classification: Uncertain significance for Inborn genetic diseases. Last evaluated: 2024-03-20. Review status: criteria provided, single submitter. Criteria: Ambry Variant Classification Scheme 2023. Collection method: clinical testing. Allele origin: germline.

Labcorp Genetics (formerly Invitae), Labcorp
Classification: Uncertain significance for Hyperphosphatasia with impaired intellectual development syndrome 2. Last evaluated: 2022-08-09. Review status: criteria provided, single submitter. Criteria: Invitae Variant Classification Sherloc (09022015). Collection method: clinical testing. Allele origin: germline.
Comment: This sequence change replaces arginine, which is basic and polar, with cysteine, which is neutral and slightly polar, at codon 690 of the PIGO protein (p.Arg690Cys). This variant is present in population databases (rs745425967, gnomAD 0.03%). This variant has not been reported in the literature in individuals affected with PIGO-related conditions. Algorithms developed to predict the effect of missense changes on protein structure and function output the following: SIFT: "Tolerated"; PolyPhen-2: "Benign"; Align-GVGD: "Class C0". The cysteine amino acid residue is found in multiple mammalian species, which suggests that this missense change does not adversely affect protein function. In summary, the available evidence is currently insufficient to determine the role of this variant in disease. Therefore, it has been classified as a Variant of Uncertain Significance.